The following is an entry in ClinVar:

NM_006790.3(MYOT):c.*404G>A

Genes: PKD2L2-DT (PKD2L2 divergent transcript; minus strand), MYOT (myotilin; plus strand). Cytogenetic location: 5q31.2.
Variant type: single nucleotide variant.
Coding change: c.*404G>A on transcript NM_006790.3 (MANE Select); 404 bases downstream of the stop codon, G replaced by A.
Molecular consequence: 3 prime UTR variant.
Genome position (GRCh38, 1-based): chr5:137,887,789, G>A. VCF-style: chr5-137887789-G-A. GRCh37 (hg19) VCF-style: chr5-137223478-G-A.
Other names: c.*404G>A (NM_001135940.2, NM_001300911.2).
Identifiers: ClinVar variation 904036 (VCV000904036.5), dbSNP rs188240755, ClinGen allele CA128109140.

ClinVar aggregate classification (germline): Benign (1 of 4 stars; one submission).

Conditions:
Myofibrillar myopathy 3 (MFM3). Also called: Muscular dystrophy, proximal, type 1A; Autosomal dominant spheroid body myopathy. Identifiers: Orphanet 266, Orphanet 268129, MedGen C3714934, MONDO:0012215, OMIM 609200.

Allele frequency attached by ClinVar (database versions not stated): gnomAD exomes 0.00040; gnomAD 0.00051 and 0.00078; TOPMed 0.00053; 1000 Genomes Project 30x 0.00172; 1000 Genomes Project 0.00180.
gnomAD v4.1: 123 of 157,362 alleles (0.078%); highest among the groups gnomAD compares: South Asian, 0.85%; 1 homozygote.

Submission:

Illumina Laboratory Services, Illumina
Classification: Benign for Myofibrillar myopathy 3. Last evaluated: 2018-01-12. Review status: criteria provided, single submitter. Criteria: ICSL Variant Classification Criteria 13 December 2019. Collection method: clinical testing. Allele origin: germline.
Comment: This variant was observed in the ICSL laboratory as part of a predisposition screen in an ostensibly healthy population. It had not been previously curated by ICSL or reported in the Human Gene Mutation Database (HGMD: prior to June 1st, 2018), and was therefore a candidate for classification through an automated scoring system. Utilizing variant allele frequency, disease prevalence and penetrance estimates, and inheritance mode, an automated score was calculated to assess if this variant is too frequent to cause the disease. Based on the score and internal cut-off values, a variant classified as benign is not then subjected to further curation. The score for this variant resulted in a classification of benign for this disease.